The following is an entry in ClinVar:

ClinVar aggregate classification (germline): Likely pathogenic (1 of 4 stars; one submission).

Conditions:
Early-infantile DEE. Also called: Early infantile epileptic encephalopathy; Ohtahara syndrome; Early infantile epileptic encephalopathy with suppression bursts. Identifiers: Orphanet 1934, MedGen C0393706, MONDO:0800491.

Submission:

Labcorp Genetics (formerly Invitae), Labcorp
Classification: Likely pathogenic for Early-infantile DEE. Last evaluated: 2025-01-27. Review status: criteria provided, single submitter. Criteria: Invitae Variant Classification Sherloc (09022015). Collection method: clinical testing. Allele origin: germline.
Comment: This sequence change replaces threonine, which is neutral and polar, with isoleucine, which is neutral and non-polar, at codon 1722 of the SCN1A protein (p.Thr1722Ile). This variant is not present in population databases (gnomAD no frequency). This variant has not been reported in the literature in individuals affected with SCN1A-related conditions. Invitae Evidence Modeling of protein sequence and biophysical properties (such as structural, functional, and spatial information, amino acid conservation, physicochemical variation, residue mobility, and thermodynamic stability) indicates that this missense variant is expected to disrupt SCN1A protein function with a positive predictive value of 95%. This variant disrupts the p.Thr1722 amino acid residue in SCN1A. Other variant(s) that disrupt this residue have been determined to be pathogenic (PMID: 26438699, 34055682, 35074891). This suggests that this residue is clinically significant, and that variants that disrupt this residue are likely to be disease-causing. In summary, the currently available evidence indicates that the variant is pathogenic, but additional data are needed to prove that conclusively. Therefore, this variant has been classified as Likely Pathogenic.

Literature cited by the submitters: PubMed 26438699; PubMed 34055682; PubMed 35074891.

NM_001165963.4(SCN1A):c.5165C>T (p.Thr1722Ile)

Genes: SCN1A (sodium voltage-gated channel alpha subunit 1; minus strand), LOC102724058 (uncharacterized LOC102724058; plus strand). Cytogenetic location: 2q24.3.
Variant type: single nucleotide variant.
Coding change: c.5165C>T on transcript NM_001165963.4 (MANE Select); coding-DNA position 5165, C replaced by T.
Protein change: p.Thr1722Ile; replaces threonine 1722 with isoleucine.
Molecular consequence: missense variant. On other transcripts: non-coding transcript variant (1).
Genome position (GRCh38, 1-based): chr2:165,992,110, G>A on the plus strand (C>T on the coding strand, the complement: SCN1A is on the minus strand). VCF-style: chr2-165992110-G-A. GRCh37 (hg19) VCF-style: chr2-166848620-G-A.
Other names: c.5081C>T, p.Thr1694Ile (NM_001165964.3, NM_001353957.2, NM_001353958.2); c.5165C>T, p.Thr1722Ile (NM_001202435.3, NM_001353948.2); c.5132C>T, p.Thr1711Ile (NM_001353949.2, NM_001353950.2, NM_001353951.2 and 2 more transcripts); c.5129C>T, p.Thr1710Ile (NM_001353954.2, NM_001353955.2); c.5078C>T, p.Thr1693Ile (NM_001353960.2); c.2723C>T, p.Thr908Ile (NM_001353961.2); short protein forms T908I, T1693I, T1694I, T1710I, T1722I, T1711I.
Identifiers: ClinVar variation 3634004 (VCV003634004.2).
Genomic context (GRCh38, chr2:165,992,110, plus strand): 5'-TCACAGTCGGGTGGCTTACTGTTGAGAATGGGTGCTAGCAATCCATCCCAGCCAGCAGAG[G>A]TTGTAATTTGGAATAGGCAGATCATGCTGTTGCCAAAGGTCTCAAAGTTGAACATGTCAT-3'
Protein context (NP_001159435.1, residues 1712-1732): NSMICLFQIT[Thr1722Ile]SAGWDGLLAP